The following is an entry in ClinVar:

ClinVar aggregate classification (germline): Conflicting classifications of pathogenicity. Review status: criteria provided, conflicting classifications (1 of 4 stars). 5 submissions from 5 submitters: Uncertain significance (1); Likely benign (4). Last evaluated 2026-01-15.

Conditions:
Inborn genetic diseases. Identifiers: MedGen C0950123, MeSH D030342.

Allele frequency attached by ClinVar (database versions not stated): TOPMed 0.00026; gnomAD 0.00027; 1000 Genomes Project 0.00040; 1000 Genomes Project 30x 0.00047.
gnomAD v4.1: 787 of 1,526,272 alleles (0.052%); highest among the groups gnomAD compares: South Asian, 0.47%; 9 homozygotes.

Submissions (5):

Labcorp Genetics (formerly Invitae), Labcorp
Classification: Likely benign. Last evaluated: 2026-01-15. Review status: criteria provided, single submitter. Criteria: Invitae Variant Classification Sherloc (09022015). Collection method: clinical testing. Allele origin: germline.

CeGaT Center for Human Genetics Tuebingen
Classification: Likely benign. Last evaluated: 2025-05-01. Review status: criteria provided, single submitter. Criteria: CeGaT Center For Human Genetics Tuebingen Variant Classification Criteria Version 2. Collection method: clinical testing. Allele origin: germline. Affected: yes. Observed: 1 variant allele.
Comment: IRX5: BS2

Blueprint Genetics
Classification: Uncertain significance. Last evaluated: 2024-10-23. Review status: criteria provided, single submitter. Criteria: ACMG Guidelines, 2015. Collection method: clinical testing. Allele origin: germline.

Ambry Genetics
Classification: Likely benign for Inborn genetic diseases. Last evaluated: 2022-03-28. Review status: criteria provided, single submitter. Criteria: Ambry Variant Classification Scheme 2023. Collection method: clinical testing. Allele origin: germline.

Breakthrough Genomics
Classification: Likely benign. Review status: criteria provided, single submitter. Criteria: ACMG Guidelines, 2015. Collection method: not provided. Allele origin: germline. Inheritance: Autosomal recessive inheritance. Affected: yes.

NM_005853.6(IRX5):c.787G>C (p.Ala263Pro)

Gene: IRX5 (iroquois homeobox 5; plus strand). Cytogenetic location: 16q12.2.
Variant type: single nucleotide variant.
Coding change: c.787G>C on transcript NM_005853.6 (MANE Select); coding-DNA position 787, G replaced by C.
Protein change: p.Ala263Pro; replaces alanine 263 with proline.
Molecular consequence: missense variant.
Genome position (GRCh38, 1-based): chr16:54,933,208, G>C. VCF-style: chr16-54933208-G-C. GRCh37 (hg19) VCF-style: chr16-54967120-G-C.
Other names: c.784G>C, p.Ala262Pro (NM_001252197.1); short protein forms A263P, A262P.
Identifiers: ClinVar variation 726138 (VCV000726138.19), dbSNP rs559431980, ClinGen allele CA8059284.
Genomic context (GRCh38, chr16:54,933,208, plus strand): 5'-ACGGAGGGCAGCCTCAGCGACTCGGATTTTAAGGAGCCGCCCTCGGAGGGCCGCCTCGAC[G>C]CGCTGCAGGGCCCCCCCCGCACCGGCGGGCCCTCCCCGGCTGGGCCAGCGGCGGCGCGGC-3'
Protein context (NP_005844.4, residues 253-273): KEPPSEGRLD[Ala263Pro]LQGPPRTGGP